The following is an entry in ClinVar:

NM_004006.3(DMD):c.2842A>G (p.Met948Val)

Gene: DMD (dystrophin; minus strand). Cytogenetic location: Xp21.1.
Variant type: single nucleotide variant.
Coding change: c.2842A>G on transcript NM_004006.3 (MANE Select); coding-DNA position 2842, A replaced by G.
Protein change: p.Met948Val; replaces methionine 948 with valine.
Molecular consequence: missense variant.
Genome position (GRCh38, 1-based): chrX:32,472,271, T>C on the plus strand (A>G on the coding strand, the complement: DMD is on the minus strand). VCF-style: chrX-32472271-T-C. GRCh37 (hg19) VCF-style: chrX-32490388-T-C.
Other names: c.2818A>G, p.Met940Val (NM_000109.4); c.2830A>G, p.Met944Val (NM_004009.3); c.2473A>G, p.Met825Val (NM_004010.3); short protein forms M948V, M825V, M940V, M944V.
Identifiers: ClinVar variation 94541 (VCV000094541.17), dbSNP rs186628781, ClinGen allele CA222354.

ClinVar aggregate classification (germline): Benign/Likely benign. Review status: criteria provided, multiple submitters, no conflicts (2 of 4 stars). 5 submissions from 5 submitters: Benign (1); Likely benign (2). 2 of the submissions do not count toward it. Last evaluated 2025-12-28.

Conditions:
Cardiovascular phenotype. Identifiers: MedGen CN230736.
DMD-related disorder. Also called: DMD-related condition.
Dystrophin deficiency.
Becker muscular dystrophy (BMD). Also called: MUSCULAR DYSTROPHY, PSEUDOHYPERTROPHIC PROGRESSIVE, BECKER TYPE; Becker Muscular Dystrophy (BMD). Identifiers: Orphanet 98895, MedGen C0917713, MONDO:0010311, OMIM 300376.
Cardiomyopathy (CMYO). Also called: Cardiomyopathies. Identifiers: Orphanet 167848, MedGen C0878544, MONDO:0004994, HP:0001638. Inheritance: Various modes of inheritance.
Duchenne muscular dystrophy (DMD). Also called: Duchenne Muscular Dystrophy (DMD); MUSCULAR DYSTROPHY, PSEUDOHYPERTROPHIC PROGRESSIVE, DUCHENNE TYPE. Identifiers: Orphanet 98896, MedGen C0013264, MONDO:0010679, OMIM 310200.
Dilated cardiomyopathy 3B (CMD3B). Also called: CMD3B: DMD-Related Dilated Cardiomyopathy; CARDIOMYOPATHY, DILATED, X-LINKED; DMD-Associated Dilated Cardiomyopathy. Identifiers: Orphanet 154, MedGen C3668940, MONDO:0010542, OMIM 302045.

Allele frequency attached by ClinVar (database versions not stated): gnomAD exomes 0.00009 and 0.00011; ExAC 0.00014; 1000 Genomes Project 0.00026; gnomAD 0.00002; TOPMed 0.00004; 1000 Genomes Project 30x 0.00021.
gnomAD v4.1: 44 of 1,209,266 alleles (0.0036%); highest among the groups gnomAD compares: East Asian, 0.13%; 1 homozygote.

Submissions (5):

Labcorp Genetics (formerly Invitae), Labcorp
Classification: Benign for Duchenne muscular dystrophy. Last evaluated: 2025-12-28. Review status: criteria provided, single submitter. Criteria: Invitae Variant Classification Sherloc (09022015). Collection method: clinical testing. Allele origin: germline.

Fulgent Genetics
Classification: Likely benign for Becker muscular dystrophy; Dilated cardiomyopathy 3B; Duchenne muscular dystrophy. Last evaluated: 2022-04-18. Review status: criteria provided, single submitter. Criteria: ACMG Guidelines, 2015. Collection method: clinical testing. Allele origin: unknown.

Ambry Genetics
Classification: Likely benign for Cardiovascular phenotype. Last evaluated: 2020-01-24. Review status: criteria provided, single submitter. Criteria: Ambry Variant Classification Scheme 2023. Collection method: clinical testing. Allele origin: germline.

PreventionGenetics, part of Exact Sciences
Classification: Likely benign for DMD-related condition. Last evaluated: 2022-10-11. Review status: no assertion criteria provided. Collection method: clinical testing. Allele origin: germline. Not counted in ClinVar's aggregate classification.
Comment: This variant is classified as likely benign based on ACMG/AMP sequence variant interpretation guidelines (Richards et al. 2015 PMID: 25741868, with internal and published modifications).

Natera, Inc.
Classification: Likely benign for Becker muscular dystrophy; Cardiomyopathy; Duchenne muscular dystrophy; Dystrophin deficiency. Last evaluated: 2020-06-01. Review status: no assertion criteria provided. Collection method: clinical testing. Allele origin: germline. Not counted in ClinVar's aggregate classification.

Literature cited by the submitters: PubMed 24066114 (cited by Ambry Genetics); PubMed 31708335 (cited by Ambry Genetics).